The following is an entry in ClinVar:

ClinVar aggregate classification (germline): Conflicting classifications of pathogenicity. Review status: criteria provided, conflicting classifications (1 of 4 stars). 4 submissions from 4 submitters: Uncertain significance (3); Likely benign (1). Last evaluated 2024-08-11.

Conditions:
Bethlem myopathy 1A. Also called: Bethlem Muscular Dystrophy; MYOPATHY, BENIGN CONGENITAL, WITH CONTRACTURES; Bethlem myopathy 1. Identifiers: Orphanet 610, MedGen CN029274, MONDO:0024530, OMIM 158810.

Allele frequency attached by ClinVar (database versions not stated): gnomAD exomes 0.00002 and 0.00003; ExAC 0.00003; gnomAD 0.00004; TOPMed 0.00005; ESP Exome Variant Server 0.00008; 1000 Genomes Project 30x 0.00016; 1000 Genomes Project 0.00020.
gnomAD v4.1: 35 of 1,604,288 alleles (0.0022%); highest among the groups gnomAD compares: Middle Eastern, 0.017%; no homozygotes.

Submissions (4):

Labcorp Genetics (formerly Invitae), Labcorp
Classification: Likely benign for Bethlem myopathy 1A. Last evaluated: 2024-08-11. Review status: criteria provided, single submitter. Criteria: Invitae Variant Classification Sherloc (09022015). Collection method: clinical testing. Allele origin: germline.

Revvity Omics, Revvity
Classification: Uncertain significance. Last evaluated: 2020-03-27. Review status: criteria provided, single submitter. Criteria: ACMG Guidelines, 2015. Collection method: clinical testing. Allele origin: germline.

GeneDx
Classification: Uncertain significance. Last evaluated: 2017-05-04. Review status: criteria provided, single submitter. Criteria: GeneDx Variant Classification (06012015). Collection method: clinical testing. Allele origin: germline. Affected: yes.
Comment: A variant of uncertain significance has been identified in the COL6A2 gene. The R1016C variant has not been published as a pathogenic variant, nor has it been reported as a benign variant to our knowledge. The R1016C variant is not observed at a significant frequency in large population cohorts (Lek et al., 2016; 1000 Genomes Consortium et al., 2015; Exome Variant Server). The R1016C variant is a non-conservative amino acid substitution, which is likely to impact secondary protein structure as these residues differ in polarity, charge, size and/or other properties. This substitution occurs at a position that is conserved across species, and in silico analysis predicts this variant is probably damaging to the protein structure/function. However, based on the currently available information, it is unclear whether this variant is a pathogenic variant or a rare benign variant.

Eurofins Ntd Llc (ga)
Classification: Uncertain significance. Last evaluated: 2016-07-14. Review status: criteria provided, single submitter. Criteria: EGL Classification Definitions 2015. Collection method: clinical testing. Allele origin: germline. Observed: 1 variant allele, 1 heterozygote.

NM_001849.4(COL6A2):c.3046C>T (p.Arg1016Cys)

Gene: COL6A2 (collagen type VI alpha 2 chain; plus strand). Cytogenetic location: 21q22.3.
Variant type: single nucleotide variant.
Coding change: c.3046C>T on transcript NM_001849.4 (MANE Select); coding-DNA position 3046, C replaced by T.
Protein change: p.Arg1016Cys; replaces arginine 1016 with cysteine.
Molecular consequence: missense variant.
Genome position (GRCh38, 1-based): chr21:46,132,538, C>T. VCF-style: chr21-46132538-C-T. GRCh37 (hg19) VCF-style: chr21-47552452-C-T.
Other names: short protein forms R1016C.
Identifiers: ClinVar variation 288799 (VCV000288799.15), dbSNP rs373392391, ClinGen allele CA10073155.
Genomic context (GRCh38, chr21:46,132,538, plus strand): 5'-GTGTTCCACGAGAAGGACTATGACAGCCTGGCGCAACCCGGCTTCTTCGACCGCTTCATC[C>T]GCTGGATCTGCTAGCGCCGCCGCCCGGGCCCCGCAGTCGAGGGTCGTGAGCCCACCCCGT-3'
Protein context (NP_001840.3, residues 1006-1019): AQPGFFDRFI[Arg1016Cys]WIC